The following is an entry in ClinVar:

NM_001103.4(ACTN2):c.1347C>A (p.Ser449Arg)

Gene: ACTN2 (actinin alpha 2; plus strand). Cytogenetic location: 1q43.
Variant type: single nucleotide variant.
Coding change: c.1347C>A on transcript NM_001103.4 (MANE Select); coding-DNA position 1347, C replaced by A.
Protein change: p.Ser449Arg; replaces serine 449 with arginine.
Molecular consequence: missense variant.
Genome position (GRCh38, 1-based): chr1:236,744,717, C>A. VCF-style: chr1-236744717-C-A. GRCh37 (hg19) VCF-style: chr1-236908017-C-A.
Other names: c.1347C>A, p.Ser449Arg (NM_001278343.2); c.723C>A, p.Ser241Arg (NM_001278344.2); c.597C>A, p.Ser199Arg (NM_001412150.1); c.1347C>A (NM_001103.2); short protein forms S241R, S199R, S449R.
Identifiers: ClinVar variation 2086797 (VCV002086797.6), dbSNP rs796733553, ClinGen allele CA345382809.

ClinVar aggregate classification (germline): Uncertain significance. Review status: criteria provided, multiple submitters, no conflicts (2 of 4 stars). 3 submissions from 3 submitters: Uncertain significance (3). Last evaluated 2023-11-07.

Conditions:
Cardiovascular phenotype. Identifiers: MedGen CN230736.
Primary familial hypertrophic cardiomyopathy (HCM). Identifiers: Orphanet 99739, MedGen C0949658, MeSH D024741, MONDO:0024573. Inheritance: Various modes of inheritance.
Dilated cardiomyopathy 1AA (CMD1AA). Also called: Cardiomyopathy, dilated, 1AA, with or without LVNC; CARDIOMYOPATHY, DILATED, 1AA, WITH OR WITHOUT LEFT VENTRICULAR NONCOMPACTION; CARDIOMYOPATHY, FAMILIAL HYPERTROPHIC, 23, WITH OR WITHOUT LEFT VENTRICULAR NONCOMPACTION. Identifiers: Orphanet 154, MedGen C2677338, MONDO:0012808, OMIM 612158.

Submissions (3):

Ambry Genetics
Classification: Uncertain significance for Cardiovascular phenotype. Last evaluated: 2023-11-07. Review status: criteria provided, single submitter. Criteria: Ambry Variant Classification Scheme 2023. Collection method: clinical testing. Allele origin: germline.

Labcorp Genetics (formerly Invitae), Labcorp
Classification: Uncertain significance for Primary familial hypertrophic cardiomyopathy; Dilated cardiomyopathy 1AA. Last evaluated: 2022-01-17. Review status: criteria provided, single submitter. Criteria: Invitae Variant Classification Sherloc (09022015). Collection method: clinical testing. Allele origin: germline.
Comment: In summary, the available evidence is currently insufficient to determine the role of this variant in disease. Therefore, it has been classified as a Variant of Uncertain Significance. Advanced modeling of protein sequence and biophysical properties (such as structural, functional, and spatial information, amino acid conservation, physicochemical variation, residue mobility, and thermodynamic stability) performed at Invitae indicates that this missense variant is not expected to disrupt ACTN2 protein function. This variant has not been reported in the literature in individuals affected with ACTN2-related conditions. This variant is not present in population databases (gnomAD no frequency). This sequence change replaces serine, which is neutral and polar, with arginine, which is basic and polar, at codon 449 of the ACTN2 protein (p.Ser449Arg).

Blueprint Genetics
Classification: Uncertain significance. Last evaluated: 2020-12-26. Review status: criteria provided, single submitter. Criteria: ACMG Guidelines, 2015. Collection method: clinical testing. Allele origin: germline.